The following is an entry in ClinVar:

ClinVar aggregate classification (germline): Uncertain significance (1 of 4 stars; one submission).

Allele frequency attached by ClinVar (database versions not stated): gnomAD exomes below 0.00001 and 0.00002; ExAC 0.00002.
gnomAD v4.1: 5 of 1,607,924 alleles (0.00031%); highest among the groups gnomAD compares: Admixed American, 0.005%; no homozygotes.

Submission:

Labcorp Genetics (formerly Invitae), Labcorp
Classification: Uncertain significance. Last evaluated: 2022-02-01. Review status: criteria provided, single submitter. Criteria: Invitae Variant Classification Sherloc (09022015). Collection method: clinical testing. Allele origin: germline.
Comment: This sequence change replaces arginine, which is basic and polar, with lysine, which is basic and polar, at codon 339 of the FASTKD2 protein (p.Arg339Lys). This variant is present in population databases (rs774329789, gnomAD 0.009%). This variant has not been reported in the literature in individuals affected with FASTKD2-related conditions. Algorithms developed to predict the effect of missense changes on protein structure and function output the following: SIFT: "Tolerated"; PolyPhen-2: "Benign"; Align-GVGD: "Class C0". The lysine amino acid residue is found in multiple mammalian species, which suggests that this missense change does not adversely affect protein function. In summary, the available evidence is currently insufficient to determine the role of this variant in disease. Therefore, it has been classified as a Variant of Uncertain Significance.

NM_001136193.2(FASTKD2):c.1016G>A (p.Arg339Lys)

Gene: FASTKD2 (FAST kinase domains 2; plus strand). Cytogenetic location: 2q33.3.
Variant type: single nucleotide variant.
Coding change: c.1016G>A on transcript NM_001136193.2 (MANE Select); coding-DNA position 1016, G replaced by A.
Protein change: p.Arg339Lys; replaces arginine 339 with lysine.
Molecular consequence: missense variant.
Genome position (GRCh38, 1-based): chr2:206,771,919, G>A. VCF-style: chr2-206771919-G-A. GRCh37 (hg19) VCF-style: chr2-207636643-G-A.
Other names: c.1016G>A, p.Arg339Lys (NM_001136194.2, NM_014929.4); short protein forms R339K.
Identifiers: ClinVar variation 1352112 (VCV001352112.3), dbSNP rs774329789, ClinGen allele CA2075040.